The following is an entry in ClinVar:

NM_000744.7(CHRNA4):c.382_383+1dup

Genes: CHRNA4 (cholinergic receptor nicotinic alpha 4 subunit; minus strand), LOC126863087 (P300/CBP strongly-dependent group 1 enhancer GRCh37_chr20:61986832-61988031; plus strand). Cytogenetic location: 20q13.33.
Variant type: Duplication.
Coding change: c.382_383+1dup on transcript NM_000744.7 (MANE Select); coding-DNA position 382 through the canonical splice donor site of the intron after coding-DNA position 383, 3 bases duplicated (AAG; older notation c.382_383+1dupAAG).
Molecular consequence: splice donor variant. On other transcripts: 5 prime UTR variant (1).
Genome position (GRCh38, 1-based): chr20:63,355,974-63,355,976, CTT duplicated on the plus strand (AAG on the coding strand, the reverse complement: CHRNA4 is on the minus strand). VCF-style (leftmost placement, unchanged base first): chr20-63355973-A-ACTT. GRCh37 (hg19) VCF-style: chr20-61987325-A-ACTT.
Other names: c.-165_-163dup (NM_001256573.2).
Identifiers: ClinVar variation 1387220 (VCV001387220.6), dbSNP rs2145400815, ClinGen allele CA2573157178.

ClinVar aggregate classification (germline): Uncertain significance (1 of 4 stars; one submission).

Conditions:
Familial sleep-related hypermotor epilepsy. Also called: Autosomal Dominant Sleep-Related Hypermotor (Hyperkinetic) Epilepsy. Identifiers: Orphanet 98784, MedGen C3696898, MONDO:0000030.

Submission:

Labcorp Genetics (formerly Invitae), Labcorp
Classification: Uncertain significance. Last evaluated: 2021-10-15. Review status: criteria provided, single submitter. Criteria: Invitae Variant Classification Sherloc (09022015). Collection method: clinical testing. Allele origin: germline.
Comment: In summary, the available evidence is currently insufficient to determine the role of this variant in disease. Therefore, it has been classified as a Variant of Uncertain Significance. This variant, c.381_382insAAG, results in the insertion of 1 amino acid(s) to the CHRNA4 protein (p.Asn127_Asn128insLys), but otherwise preserves the integrity of the reading frame. This variant is not present in population databases (ExAC no frequency). This variant has not been reported in the literature in individuals affected with CHRNA4-related conditions. Experimental studies and prediction algorithms are not available or were not evaluated, and the functional significance of this variant is currently unknown.